The following is an entry in ClinVar:

ClinVar aggregate classification (germline): Likely pathogenic. Review status: criteria provided, multiple submitters, no conflicts (2 of 4 stars). 3 submissions from 3 submitters: Likely pathogenic (3). Last evaluated 2025-02-05.

Conditions:
Retinitis pigmentosa 12 (RP12). Also called: RP WITH OR WITHOUT PPRPE; RP WITH OR WITHOUT PRESERVED PARAARTERIOLE RETINAL PIGMENT EPITHELIUM; RETINITIS PIGMENTOSA WITH OR WITHOUT PARAARTERIOLAR PRESERVATION OF RETINAL PIGMENT EPITHELIUM. Identifiers: Orphanet 791, MedGen C1838647, MONDO:0010818, OMIM 600105.
Leber congenital amaurosis 8 (LCA8). Identifiers: Orphanet 65, MedGen C3151202, MONDO:0013453, OMIM 613835.
Leber congenital amaurosis (LCA). Also called: Leber's amaurosis. Identifiers: Orphanet 65, MedGen C0339527, MeSH D057130, MONDO:0018998.

Allele frequency attached by ClinVar (database versions not stated): gnomAD exomes below 0.00001 and 0.00001; ExAC 0.00001.
gnomAD v4.1: 3 of 1,613,510 alleles (0.00019%); highest among the groups gnomAD compares: East Asian, 0.0022%; no homozygotes.

Submissions (3):

SingHealth Duke-NUS Institute of Precision Medicine
Classification: Likely pathogenic for Leber congenital amaurosis 8. Last evaluated: 2025-02-05. Review status: criteria provided, single submitter. Criteria: PRISM ACMG Classification Criteria. Collection method: clinical testing. Allele origin: germline. Affected: yes.
Comment: Variant is located in a mutational hotspot where >50% of variants are pathogenic (PM1). Variant is not found in gnomAD genomes and homozygous allele count in gnomAD exomes is less than 0 (PM2). Other variant at this amino acid residue has been classified as likely pathogenic (PM5, p.Cys1165Trp). REVEL score is 0.952 (PP3_str)

Natera, Inc.
Classification: Likely pathogenic for Leber congenital amaurosis. Last evaluated: 2024-05-22. Review status: criteria provided, single submitter. Criteria: Natera Variant Classification Schema (03/2026). Collection method: clinical testing. Allele origin: germline.
Comment: The c.3493T>C variant in CRB1 is a missense variant predicted to cause substitution of cysteine to arginine at amino acid 1165. This variant is rare in the general population with a frequency below the threshold expected for the associated phenotype(s). This variant has been observed in one or more individuals affected with the associated recessive disease, as either homozygous or compound heterozygous with a second variant (PMID: 33342761, 38066771). Additionally, this variant has been observed to segregate in affected family members (PMID: 33342761). Computational prediction algorithms indicate this variant is likely to affect gene or protein function. Given the available evidence, this variant is classified as Likely Pathogenic.

Labcorp Genetics (formerly Invitae), Labcorp
Classification: Likely pathogenic for Leber congenital amaurosis 8; Retinitis pigmentosa 12. Last evaluated: 2020-09-15. Review status: criteria provided, single submitter. Criteria: Invitae Variant Classification Sherloc (09022015). Collection method: clinical testing. Allele origin: germline.
Comment: This variant has been observed in individual(s) with leber congenital amaurosis (PMID: 21602930). This variant is present in population databases (rs767368951, ExAC 0.006%). This sequence change replaces cysteine with arginine at codon 1165 of the CRB1 protein (p.Cys1165Arg). The cysteine residue is highly conserved and there is a large physicochemical difference between cysteine and arginine. In summary, the currently available evidence indicates that the variant is pathogenic, but additional data are needed to prove that conclusively. Therefore, this variant has been classified as Likely Pathogenic. This variant disrupts the p.Cys1165 amino acid residue in CRB1. Other variant(s) that disrupt this residue have been determined to be pathogenic (PMID: 19956407). This suggests that this residue is clinically significant, and that variants that disrupt this residue are likely to be disease-causing. Advanced modeling of protein sequence and biophysical properties (such as structural, functional, and spatial information, amino acid conservation, physicochemical variation, residue mobility, and thermodynamic stability) performed at Invitae indicates that this missense variant is expected to disrupt CRB1 protein function.

Literature cited by the submitters: PubMed 33342761 (cited by Natera, Inc.); PubMed 38066771 (cited by Natera, Inc.); PubMed 21602930 (cited by Labcorp Genetics (formerly Invitae), Labcorp); PubMed 19956407 (cited by Labcorp Genetics (formerly Invitae), Labcorp).

NM_201253.3(CRB1):c.3493T>C (p.Cys1165Arg)

Gene: CRB1 (crumbs cell polarity complex component 1; plus strand). Cytogenetic location: 1q31.3.
Variant type: single nucleotide variant.
Coding change: c.3493T>C on transcript NM_201253.3 (MANE Select); coding-DNA position 3493, T replaced by C.
Protein change: p.Cys1165Arg; replaces cysteine 1165 with arginine.
Molecular consequence: missense variant. On other transcripts: non-coding transcript variant (2), intron variant (1).
Genome position (GRCh38, 1-based): chr1:197,435,356, T>C. VCF-style: chr1-197435356-T-C. GRCh37 (hg19) VCF-style: chr1-197404486-T-C.
Other names: c.3493T>C (NM_201253.2); c.3157T>C, p.Cys1053Arg (NM_001193640.2); c.3421T>C, p.Cys1141Arg (NM_001257965.2); c.2129-244T>C (NM_001257966.2); short protein forms C1053R, C1141R, C1165R.
Identifiers: ClinVar variation 1067464 (VCV001067464.11), dbSNP rs767368951, ClinGen allele CA1312346.